The following is an entry in ClinVar:

NM_001166114.2(PNPLA6):c.685G>A (p.Gly229Arg)

Gene: PNPLA6 (patatin like domain 6, lysophospholipase; plus strand). Cytogenetic location: 19p13.2.
Variant type: single nucleotide variant.
Coding change: c.685G>A on transcript NM_001166114.2 (MANE Select); coding-DNA position 685, G replaced by A.
Protein change: p.Gly229Arg; replaces glycine 229 with arginine.
Molecular consequence: missense variant.
Genome position (GRCh38, 1-based): chr19:7,540,279, G>A. VCF-style: chr19-7540279-G-A. GRCh37 (hg19) VCF-style: chr19-7605165-G-A.
Other names: c.568G>A, p.Gly190Arg (NM_001166113.1, NM_001166112.2, NM_006702.5); c.712G>A, p.Gly238Arg (NM_001166111.2); short protein forms G190R, G229R, G238R.
Identifiers: ClinVar variation 1352694 (VCV001352694.8), dbSNP rs1174515690, ClinGen allele CA403104597.
Genomic context (GRCh38, chr19:7,540,279, plus strand): 5'-CAGGGTGACTACGTCTTCCGGCCGGGCCAGCCAGATGCCAGCATCTACGTGGTGCAGGAC[G>A]GGCTGCTGGAGCTCTGTCTGCCAGGGCCTGTGAGTGGGCCTCCCCAGGGGCTGCTGCAGG-3'
Protein context (NP_001159586.1, residues 219-239): PDASIYVVQD[Gly229Arg]LLELCLPGPD

ClinVar aggregate classification (germline): Uncertain significance (1 of 4 stars; one submission).

Conditions:
Hereditary spastic paraplegia 39 (SPG39). Also called: Spastic Paraplegia Type 39 (SPG39); SPASTIC PARAPLEGIA 39, AUTOSOMAL RECESSIVE. Identifiers: Orphanet 139480, MedGen C2677586, MONDO:0012787, OMIM 612020.

Allele frequency attached by ClinVar (database versions not stated): gnomAD exomes below 0.00001.

Submission:

Labcorp Genetics (formerly Invitae), Labcorp
Classification: Uncertain significance for Hereditary spastic paraplegia 39. Last evaluated: 2020-12-02. Review status: criteria provided, single submitter. Criteria: Invitae Variant Classification Sherloc (09022015). Collection method: clinical testing. Allele origin: germline.
Comment: This variant has not been reported in the literature in individuals with PNPLA6-related conditions. This variant is not present in population databases (ExAC no frequency). This sequence change replaces glycine with arginine at codon 190 of the PNPLA6 protein (p.Gly190Arg). The glycine residue is highly conserved and there is a moderate physicochemical difference between glycine and arginine. Algorithms developed to predict the effect of missense changes on protein structure and function (SIFT, PolyPhen-2, Align-GVGD) all suggest that this variant is likely to be disruptive, but these predictions have not been confirmed by published functional studies and their clinical significance is uncertain. In summary, the available evidence is currently insufficient to determine the role of this variant in disease. Therefore, it has been classified as a Variant of Uncertain Significance.